The following is an entry in ClinVar:

NM_018979.4(WNK1):c.1312-203T>C

Gene: WNK1 (WNK lysine deficient protein kinase 1; plus strand). Cytogenetic location: 12p13.33.
Variant type: single nucleotide variant.
Coding change: c.1312-203T>C on transcript NM_018979.4 (MANE Select); 203 bases into the intron before coding-DNA position 1312, T replaced by C.
Molecular consequence: intron variant.
Genome position (GRCh38, 1-based): chr12:856,958, T>C. VCF-style: chr12-856958-T-C. GRCh37 (hg19) VCF-style: chr12-966124-T-C.
Other names: c.1312-203T>C (NM_213655.5, NM_001184985.2, NM_014823.3).
Identifiers: ClinVar variation 670304 (VCV000670304.1), dbSNP rs2240283, ClinGen allele CA16434132.

ClinVar aggregate classification (germline): Benign (1 of 4 stars; one submission).

Allele frequency attached by ClinVar (database versions not stated): TOPMed 0.74294; 1000 Genomes Project 30x 0.74750; 1000 Genomes Project 0.74880.
gnomAD v4.1: 113,614 of 152,076 alleles (75%); highest among the groups gnomAD compares: East Asian, 87%; 42,588 homozygotes.

Submission:

GeneDx
Classification: Benign. Last evaluated: 2018-06-14. Review status: criteria provided, single submitter. Criteria: GeneDx Variant Classification (06012015). Collection method: clinical testing. Allele origin: germline. Affected: yes.
Comment: This variant is considered likely benign or benign based on one or more of the following criteria: it is a conservative change, it occurs at a poorly conserved position in the protein, it is predicted to be benign by multiple in silico algorithms, and/or has population frequency not consistent with disease.